The following is an entry in ClinVar:

ClinVar aggregate classification (germline): Uncertain significance. Review status: criteria provided, multiple submitters, no conflicts (2 of 4 stars). 2 submissions from 2 submitters: Uncertain significance (2). Last evaluated 2023-08-15.

Conditions:
Inborn genetic diseases. Identifiers: MedGen C0950123, MeSH D030342.

Allele frequency attached by ClinVar (database versions not stated): gnomAD exomes below 0.00001 and 0.00001; gnomAD 0.00001; 1000 Genomes Project 30x 0.00016.
gnomAD v4.1: 16 of 1,614,186 alleles (0.00099%); highest among the groups gnomAD compares: Non-Finnish European, 0.0014%; no homozygotes.

Submissions (2):

Ambry Genetics
Classification: Uncertain significance for Inborn genetic diseases. Last evaluated: 2023-08-15. Review status: criteria provided, single submitter. Criteria: Ambry Variant Classification Scheme 2023. Collection method: clinical testing. Allele origin: germline.

Labcorp Genetics (formerly Invitae), Labcorp
Classification: Uncertain significance. Last evaluated: 2021-12-03. Review status: criteria provided, single submitter. Criteria: Invitae Variant Classification Sherloc (09022015). Collection method: clinical testing. Allele origin: germline.
Comment: Algorithms developed to predict the effect of missense changes on protein structure and function are either unavailable or do not agree on the potential impact of this missense change (SIFT: "Deleterious"; PolyPhen-2: "Probably Damaging"; Align-GVGD: "Class C0"). This sequence change replaces leucine, which is neutral and non-polar, with phenylalanine, which is neutral and non-polar, at codon 572 of the ADCY1 protein (p.Leu572Phe). This variant is present in population databases (no rsID available, gnomAD 0.0009%). This variant has not been reported in the literature in individuals affected with ADCY1-related conditions. In summary, the available evidence is currently insufficient to determine the role of this variant in disease. Therefore, it has been classified as a Variant of Uncertain Significance.

NM_021116.4(ADCY1):c.1714C>T (p.Leu572Phe)

Gene: ADCY1 (adenylate cyclase 1; plus strand). Cytogenetic location: 7p12.3.
Variant type: single nucleotide variant.
Coding change: c.1714C>T on transcript NM_021116.4 (MANE Select); coding-DNA position 1714, C replaced by T.
Protein change: p.Leu572Phe; replaces leucine 572 with phenylalanine.
Molecular consequence: missense variant.
Genome position (GRCh38, 1-based): chr7:45,677,977, C>T. VCF-style: chr7-45677977-C-T. GRCh37 (hg19) VCF-style: chr7-45717576-C-T.
Other names: c.1714C>T (NM_021116.2); short protein forms L572F.
Identifiers: ClinVar variation 1474176 (VCV001474176.10), dbSNP rs1176231507, ClinGen allele CA367436447.